The following is an entry in ClinVar:

NM_006014.5(LAGE3):c.188T>G (p.Phe63Cys)

Genes: LAGE3 (L antigen family member 3; minus strand), LOC130068876 (ATAC-STARR-seq lymphoblastoid silent region 21109; plus strand). Cytogenetic location: Xq28.
Variant type: single nucleotide variant.
Coding change: c.188T>G on transcript NM_006014.5 (MANE Select); coding-DNA position 188, T replaced by G.
Protein change: p.Phe63Cys; replaces phenylalanine 63 with cysteine.
Molecular consequence: missense variant.
Genome position (GRCh38, 1-based): chrX:154,478,728, A>C on the plus strand (T>G on the coding strand, the complement: LAGE3 is on the minus strand). VCF-style: chrX-154478728-A-C. GRCh37 (hg19) VCF-style: chrX-153707067-A-C.
Other names: short protein forms F63C.
Identifiers: ClinVar variation 5009521 (VCV005009521.1).
Genomic context (GRCh38, chrX:154,478,728, plus strand): 5'-CCTTCTCCCCGAGTCCAGCCCTCGCTCCGCCGCAAGCAGCCCCCAGCTCGGAAAGGATAC[A>C]ATATGTGCGGCCGCATTCGTGACCCCCTGGCCGCAGACGCGGCGTCTCTGCCCGGACCTG-3'
Protein context (NP_006005.2, residues 53-73): ARGSRMRPHI[Phe63Cys]TLSVPFPTPL

ClinVar aggregate classification (germline): Uncertain significance (1 of 4 stars; one submission).

Submission:

GeneDx
Classification: Uncertain significance. Last evaluated: 2026-02-15. Review status: criteria provided, single submitter. Criteria: GeneDx Variant Classification Process June 2021. Collection method: clinical testing. Allele origin: germline.
Comment: Not observed at significant frequency in large population cohorts (gnomAD); In silico analysis supports that this missense variant has a deleterious effect on protein structure/function; Has not been previously published as pathogenic or benign to our knowledge